The following is an entry in ClinVar:

NM_003803.4(MYOM1):c.644C>G (p.Thr215Arg)

Gene: MYOM1 (myomesin 1; minus strand). Cytogenetic location: 18p11.31.
Variant type: single nucleotide variant.
Coding change: c.644C>G on transcript NM_003803.4 (MANE Select); coding-DNA position 644, C replaced by G.
Protein change: p.Thr215Arg; replaces threonine 215 with arginine.
Molecular consequence: missense variant.
Genome position (GRCh38, 1-based): chr18:3,188,875, G>C on the plus strand (C>G on the coding strand, the complement: MYOM1 is on the minus strand). VCF-style: chr18-3188875-G-C. GRCh37 (hg19) VCF-style: chr18-3188873-G-C.
Other names: c.644C>G, p.Thr215Arg (NM_019856.2); short protein forms T215R.
Identifiers: ClinVar variation 3916548 (VCV003916548.1).
Genomic context (GRCh38, chr18:3,188,875, plus strand): 5'-GTTTCTTCCTGTTGAAGAGCGGATGTGGCCTGTTTGGAAACCACAGACTGCCTGGATGCC[G>C]TGGACTGCCTGGATGCCGTGGACTGCTTGGATGCTGTGGACTGCTTGGATGCCGTGGACT-3'
Protein context (NP_003794.3, residues 205-225): SKQSTASRQS[Thr215Arg]ASRQSVVSKQ

ClinVar aggregate classification (germline): Uncertain significance (1 of 4 stars; one submission).

Submission:

Ambry Genetics
Classification: Uncertain significance. Last evaluated: 2025-04-07. Review status: criteria provided, single submitter. Criteria: Ambry Variant Classification Scheme 2023. Collection method: clinical testing. Allele origin: germline.
Comment: The p.T215R variant (also known as c.644C>G), located in coding exon 3 of the MYOM1 gene, results from a C to G substitution at nucleotide position 644. The threonine at codon 215 is replaced by arginine, an amino acid with similar properties. This amino acid position is conserved. In addition, this alteration is predicted to be tolerated by in silico analysis. Based on the available evidence, the clinical significance of this variant remains unclear.